The following is an entry in ClinVar:

ClinVar aggregate classification (germline): Uncertain significance (1 of 4 stars; one submission).

Conditions:
Intellectual disability-hypotonic facies syndrome, X-linked, 1 (MRXHF1). Also called: X-linked intellectual disability-hypotonic face syndrome; XLMR-HYPOTONIC FACIES SYNDROME; CHUDLEY-LOWRY SYNDROME; Chudley syndrome 1; Chudley-Lowry-Hoar syndrome; Carpenter-Waziri syndrome. Identifiers: Orphanet 73220, Orphanet 93970, Orphanet 93971, Orphanet 93972, Orphanet 93973, Orphanet 93974, Orphanet 93975, MedGen C4759781, MONDO:0010663, OMIM 309580.

Allele frequency attached by ClinVar (database versions not stated): gnomAD exomes below 0.00001; TOPMed 0.00001.

Submission:

MGZ Medical Genetics Center
Classification: Uncertain significance for Intellectual disability-hypotonic facies syndrome, X-linked, 1. Last evaluated: 2022-02-14. Review status: criteria provided, single submitter. Criteria: ACMG Guidelines, 2015. Collection method: clinical testing. Allele origin: germline. Affected: yes. Observed: 1 variant allele.
Comment: ACMG criteria applied: PM2_SUP, PP2, BP4

NM_031407.7(HUWE1):c.12778G>A (p.Asp4260Asn)

Gene: HUWE1 (HECT, UBA and WWE domain containing E3 ubiquitin protein ligase 1; minus strand). Cytogenetic location: Xp11.22.
Variant type: single nucleotide variant.
Coding change: c.12778G>A on transcript NM_031407.7 (MANE Select); coding-DNA position 12778, G replaced by A.
Protein change: p.Asp4260Asn; replaces aspartic acid 4260 with asparagine.
Molecular consequence: missense variant.
Genome position (GRCh38, 1-based): chrX:53,534,569, C>T on the plus strand (G>A on the coding strand, the complement: HUWE1 is on the minus strand). VCF-style: chrX-53534569-C-T. GRCh37 (hg19) VCF-style: chrX-53561530-C-T.
Other names: short protein forms D4260N.
Identifiers: ClinVar variation 1709646 (VCV001709646.2), dbSNP rs1271388105, ClinGen allele CA413146213.